The following is an entry in ClinVar:

ClinVar aggregate classification (germline): Conflicting classifications of pathogenicity. Review status: criteria provided, conflicting classifications (1 of 4 stars). 2 submissions from 2 submitters: Pathogenic (1); Uncertain significance (1). Last evaluated 2024-09-01.

Submissions (2):

CeGaT Center for Human Genetics Tuebingen
Classification: Uncertain significance. Last evaluated: 2024-09-01. Review status: criteria provided, single submitter. Criteria: CeGaT Center For Human Genetics Tuebingen Variant Classification Criteria Version 2. Collection method: clinical testing. Allele origin: germline. Affected: yes. Observed: 1 variant allele.
Comment: HIVEP2: PM2, PVS1:Moderate

Laboratoire de Génétique Moléculaire, CHU Bordeaux
Classification: Pathogenic. Review status: criteria provided, single submitter. Criteria: ACMG Guidelines, 2015. Collection method: clinical testing. Allele origin: germline. Affected: yes.

NM_006734.4(HIVEP2):c.6626_6627del (p.Tyr2209fs)

Gene: HIVEP2 (HIVEP zinc finger 2; minus strand). Cytogenetic location: 6q24.2.
Variant type: Deletion.
Coding change: c.6626_6627del on transcript NM_006734.4 (MANE Select); coding-DNA positions 6626 to 6627, 2 bases deleted (AT; older notation c.6626_6627delAT).
Protein change: p.Tyr2209fs; shifts the reading frame from tyrosine 2209.
Molecular consequence: frameshift variant.
Genome position (GRCh38, 1-based): chr6:142,753,821-142,753,822, AT deleted on the plus strand (AT on the coding strand, the reverse complement: HIVEP2 is on the minus strand); deleting any 2 consecutive bases within chr6:142,753,821-142,753,823 gives the same sequence; the c. name uses the placement nearest the transcript's 3' end. VCF-style (leftmost placement, unchanged base first): chr6-142753820-CAT-C. GRCh37 (hg19) VCF-style: chr6-143074957-CAT-C.
Other names: short protein forms Y2209fs.
Identifiers: ClinVar variation 1703505 (VCV001703505.15), dbSNP rs2482735559, ClinGen allele CA2580075155.